The following is an entry in ClinVar:

NM_006567.5(FARS2):c.1154T>C (p.Val385Ala)

Gene: FARS2 (phenylalanyl-tRNA synthetase 2, mitochondrial; plus strand). Cytogenetic location: 6p25.1.
Variant type: single nucleotide variant.
Coding change: c.1154T>C on transcript NM_006567.5 (MANE Select); coding-DNA position 1154, T replaced by C.
Protein change: p.Val385Ala; replaces valine 385 with alanine.
Molecular consequence: missense variant.
Genome position (GRCh38, 1-based): chr6:5,613,257, T>C. VCF-style: chr6-5613257-T-C. GRCh37 (hg19) VCF-style: chr6-5613490-T-C.
Other names: c.1154T>C, p.Val385Ala (NM_001318872.2, NM_001374875.1, NM_001374876.1 and 4 more transcripts); c.1022T>C, p.Val341Ala (NM_001375258.1); c.458T>C, p.Val153Ala (NM_001375259.1, NM_001375260.1); short protein forms V385A, V153A, V341A.
Identifiers: ClinVar variation 2741020 (VCV002741020.3), dbSNP rs539476900, ClinGen allele CA3623895.

ClinVar aggregate classification (germline): Uncertain significance (1 of 4 stars; one submission).

Conditions:
Combined oxidative phosphorylation defect type 14. Also called: Combined oxidative phosphorylation deficiency 14. Identifiers: Orphanet 319519, MedGen C4755312, MONDO:0013986, OMIM 614946.

Allele frequency attached by ClinVar (database versions not stated): ExAC 0.00001; gnomAD 0.00001; 1000 Genomes Project 30x 0.00016; 1000 Genomes Project 0.00020.
gnomAD v4.1: 1 of 1,613,624 alleles (0.000062%); highest among the groups gnomAD compares: South Asian, 0.0011%; no homozygotes.

Submission:

Labcorp Genetics (formerly Invitae), Labcorp
Classification: Uncertain significance for Combined oxidative phosphorylation defect type 14. Last evaluated: 2023-01-14. Review status: criteria provided, single submitter. Criteria: Invitae Variant Classification Sherloc (09022015). Collection method: clinical testing. Allele origin: germline.
Comment: In summary, the available evidence is currently insufficient to determine the role of this variant in disease. Therefore, it has been classified as a Variant of Uncertain Significance. Advanced modeling of protein sequence and biophysical properties (such as structural, functional, and spatial information, amino acid conservation, physicochemical variation, residue mobility, and thermodynamic stability) has been performed at Invitae for this missense variant, however the output from this modeling did not meet the statistical confidence thresholds required to predict the impact of this variant on FARS2 protein function. This variant has not been reported in the literature in individuals affected with FARS2-related conditions. This variant is present in population databases (rs539476900, gnomAD 0.003%). This sequence change replaces valine, which is neutral and non-polar, with alanine, which is neutral and non-polar, at codon 385 of the FARS2 protein (p.Val385Ala).